The following is an entry in ClinVar:

ClinVar aggregate classification (germline): Uncertain significance (1 of 4 stars; one submission).

Conditions:
Mendelian susceptibility to mycobacterial diseases due to complete IL12RB1 deficiency. Also called: IL12RB1 DEFICIENCY; Immunodeficiency 30. Identifiers: Orphanet 319552, MedGen C4013949, MONDO:0013955, OMIM 614891.

Allele frequency attached by ClinVar (database versions not stated): ExAC 0.00001; gnomAD exomes below 0.00001 and 0.00001.
gnomAD v4.1: 3 of 1,610,458 alleles (0.00019%); highest among the groups gnomAD compares: Non-Finnish European, 0.00017%; no homozygotes.

Submission:

Labcorp Genetics (formerly Invitae), Labcorp
Classification: Uncertain significance for Mendelian susceptibility to mycobacterial diseases due to complete IL12RB1 deficiency. Last evaluated: 2018-11-01. Review status: criteria provided, single submitter. Criteria: Invitae Variant Classification Sherloc (09022015). Collection method: clinical testing. Allele origin: germline.
Comment: In summary, the available evidence is currently insufficient to determine the role of this variant in disease. Therefore, it has been classified as a Variant of Uncertain Significance. This sequence change replaces asparagine with threonine at codon 456 of the IL12RB1 protein (p.Asn456Thr). The asparagine residue is moderately conserved and there is a small physicochemical difference between asparagine and threonine. This variant is present in population databases (rs745668246, ExAC 0.001%). This variant has not been reported in the literature in individuals with IL12RB1-related disease. Algorithms developed to predict the effect of missense changes on protein structure and function output the following: SIFT: "Tolerated"; PolyPhen-2: "Benign"; Align-GVGD: "Class C0". The threonine amino acid residue is found in multiple mammalian species, suggesting that this missense change does not adversely affect protein function. These predictions have not been confirmed by published functional studies and their clinical significance is uncertain.

NM_005535.3(IL12RB1):c.1367A>C (p.Asn456Thr)

Gene: IL12RB1 (interleukin 12 receptor subunit beta 1; minus strand). Cytogenetic location: 19p13.11.
Variant type: single nucleotide variant.
Coding change: c.1367A>C on transcript NM_005535.3 (MANE Select); coding-DNA position 1367, A replaced by C.
Protein change: p.Asn456Thr; replaces asparagine 456 with threonine.
Molecular consequence: missense variant.
Genome position (GRCh38, 1-based): chr19:18,066,658, T>G on the plus strand (A>C on the coding strand, the complement: IL12RB1 is on the minus strand). VCF-style: chr19-18066658-T-G. GRCh37 (hg19) VCF-style: chr19-18177468-T-G.
Other names: c.1367A>C, p.Asn456Thr (NM_001290023.2); c.1487A>C, p.Asn496Thr (NM_001290024.2); short protein forms N456T, N496T.
Identifiers: ClinVar variation 541818 (VCV000541818.9), dbSNP rs745668246, ClinGen allele CA9304851.